The following is an entry in ClinVar:

ClinVar aggregate classification (germline): Uncertain significance (1 of 4 stars; one submission).

Conditions:
Generalized epilepsy-paroxysmal dyskinesia syndrome (PNKD3). Also called: Paroxysmal nonkinesigenic dyskinesia, 3, with or without generalized epilepsy; Generalized epilepsy and paroxysmal dyskinesia. Identifiers: Orphanet 79137, MedGen C5574945, MONDO:0012276, OMIM 609446.

gnomAD v4.1: 1 of 1,613,964 alleles (0.000062%); highest among the groups gnomAD compares: Non-Finnish European, 0.000085%; no homozygotes.

Submission:

Labcorp Genetics (formerly Invitae), Labcorp
Classification: Uncertain significance for Generalized epilepsy-paroxysmal dyskinesia syndrome. Last evaluated: 2022-09-15. Review status: criteria provided, single submitter. Criteria: Invitae Variant Classification Sherloc (09022015). Collection method: clinical testing. Allele origin: germline.
Comment: This sequence change replaces isoleucine, which is neutral and non-polar, with valine, which is neutral and non-polar, at codon 633 of the KCNMA1 protein (p.Ile633Val). This variant is not present in population databases (gnomAD no frequency). This variant has not been reported in the literature in individuals affected with KCNMA1-related conditions. Advanced modeling of protein sequence and biophysical properties (such as structural, functional, and spatial information, amino acid conservation, physicochemical variation, residue mobility, and thermodynamic stability) performed at Invitae indicates that this missense variant is not expected to disrupt KCNMA1 protein function. In summary, the available evidence is currently insufficient to determine the role of this variant in disease. Therefore, it has been classified as a Variant of Uncertain Significance.

NM_001161352.2(KCNMA1):c.1897A>G (p.Ile633Val)

Gene: KCNMA1 (potassium calcium-activated channel subfamily M alpha 1; minus strand). Cytogenetic location: 10q22.3.
Variant type: single nucleotide variant.
Coding change: c.1897A>G on transcript NM_001161352.2 (MANE Select); coding-DNA position 1897, A replaced by G.
Protein change: p.Ile633Val; replaces isoleucine 633 with valine.
Molecular consequence: missense variant.
Genome position (GRCh38, 1-based): chr10:77,027,854, T>C on the plus strand (A>G on the coding strand, the complement: KCNMA1 is on the minus strand). VCF-style: chr10-77027854-T-C. GRCh37 (hg19) VCF-style: chr10-78787612-T-C.
Other names: c.1897A>G, p.Ile633Val (NM_001014797.3, NM_001161353.2, NM_001271519.2 and 8 more transcripts); c.1735A>G, p.Ile579Val (NM_001271518.2); c.1357A>G, p.Ile453Val (NM_001322838.2); short protein forms I579V, I453V, I633V.
Identifiers: ClinVar variation 1945530 (VCV001945530.5), dbSNP rs747232309, ClinGen allele CA377409706.
Genomic context (GRCh38, chr10:77,027,854, plus strand): 5'-AGCTGGCTGCTGGGTCACCGCAAACTTACCGGCTCTCTCGGTTGGCAGACTTGTACTCAA[T>C]GGCTATCATTAGGAGCTTGAGCTTCACAAAACACAGCCTGCAATGAGATGGAGAAGCCTC-3'
Protein context (NP_001154824.1, residues 623-643): FVKLKLLMIA[Ile633Val]EYKSANRESR